The following is an entry in ClinVar:

ClinVar aggregate classification (germline): Uncertain significance (1 of 4 stars; one submission).

Submission:

Labcorp Genetics (formerly Invitae), Labcorp
Classification: Uncertain significance. Last evaluated: 2023-07-28. Review status: criteria provided, single submitter. Criteria: Invitae Variant Classification Sherloc (09022015). Collection method: clinical testing. Allele origin: germline.
Comment: In summary, the available evidence is currently insufficient to determine the role of this variant in disease. Therefore, it has been classified as a Variant of Uncertain Significance. An algorithm developed to predict the effect of missense changes on protein structure and function (PolyPhen-2) suggests that this variant is likely to be tolerated. ClinVar contains an entry for this variant (Variation ID: 1491333). This variant has not been reported in the literature in individuals affected with PSMB4-related conditions. This variant is not present in population databases (gnomAD no frequency). This sequence change replaces tyrosine, which is neutral and polar, with phenylalanine, which is neutral and non-polar, at codon 222 of the PSMB4 protein (p.Tyr222Phe).

NM_002796.3(PSMB4):c.665A>T (p.Tyr222Phe)

Gene: PSMB4 (proteasome 20S subunit beta 4; plus strand). Cytogenetic location: 1q21.3.
Variant type: single nucleotide variant.
Coding change: c.665A>T on transcript NM_002796.3 (MANE Select); coding-DNA position 665, A replaced by T.
Protein change: p.Tyr222Phe; replaces tyrosine 222 with phenylalanine.
Molecular consequence: missense variant.
Genome position (GRCh38, 1-based): chr1:151,401,327, A>T. VCF-style: chr1-151401327-A-T. GRCh37 (hg19) VCF-style: chr1-151373803-A-T.
Other names: short protein forms Y222F.
Identifiers: ClinVar variation 1491333 (VCV001491333.8), dbSNP rs2102123113, ClinGen allele CA341926953.
Genomic context (GRCh38, chr1:151,401,327, plus strand): 5'-AGCCAGTGCTAAGCCAGACCGAGGCCCGCGACTTAGTAGAACGCTGCATGCGAGTGCTGT[A>T]CTACCGAGATGCCCGTTCTTACAACCGGGTGAGGGATGTGCTGGGAACCTAATTGGCGGG-3'
Protein context (NP_002787.2, residues 212-232): DLVERCMRVL[Tyr222Phe]YRDARSYNRF